The following is an entry in ClinVar:

NM_000245.4(MET):c.162T>G (p.Asn54Lys)

Gene: MET (MET proto-oncogene, receptor tyrosine kinase; plus strand). Cytogenetic location: 7q31.2.
Variant type: single nucleotide variant.
Coding change: c.162T>G on transcript NM_000245.4 (MANE Select); coding-DNA position 162, T replaced by G.
Protein change: p.Asn54Lys; replaces asparagine 54 with lysine.
Molecular consequence: missense variant. On other transcripts: intron variant (1).
Genome position (GRCh38, 1-based): chr7:116,699,246, T>G. VCF-style: chr7-116699246-T-G. GRCh37 (hg19) VCF-style: chr7-116339300-T-G.
Other names: c.162T>G, p.Asn54Lys (NM_001127500.3, NM_001324401.3); c.-91+26669T>G (NM_001324402.2); short protein forms N54K.
Identifiers: ClinVar variation 4859932 (VCV004859932.1).

ClinVar aggregate classification (germline): Uncertain significance (1 of 4 stars; one submission).

Conditions:
Hereditary cancer-predisposing syndrome. Also called: Neoplastic Syndromes, Hereditary; Tumor predisposition; Hereditary Cancer Syndrome; Hereditary neoplastic syndrome. Identifiers: Orphanet 140162, MedGen C0027672, MeSH D009386, MONDO:0015356.

Submission:

Ambry Genetics
Classification: Uncertain significance for Hereditary cancer-predisposing syndrome. Last evaluated: 2026-05-14. Review status: criteria provided, single submitter. Criteria: Ambry Variant Classification Scheme 2023. Collection method: clinical testing. Allele origin: germline.
Comment: The p.N54K variant (also known as c.162T>G), located in coding exon 1 of the MET gene, results from a T to G substitution at nucleotide position 162. The asparagine at codon 54 is replaced by lysine, an amino acid with similar properties. This amino acid position is conserved. In addition, this alteration is predicted to be tolerated by in silico analysis. Based on the available evidence, the clinical significance of this variant remains unclear.